The following is an entry in ClinVar:

ClinVar aggregate classification (germline): Uncertain significance (1 of 4 stars; one submission).

Allele frequency attached by ClinVar (database versions not stated): gnomAD 0.00001 and 0.00003.
gnomAD v4.1: 77 of 1,609,776 alleles (0.0048%); highest among the groups gnomAD compares: South Asian, 0.047%; no homozygotes.

Submission:

Labcorp Genetics (formerly Invitae), Labcorp
Classification: Uncertain significance. Last evaluated: 2022-06-08. Review status: criteria provided, single submitter. Criteria: Invitae Variant Classification Sherloc (09022015). Collection method: clinical testing. Allele origin: germline.
Comment: This sequence change replaces methionine, which is neutral and non-polar, with valine, which is neutral and non-polar, at codon 493 of the ERCC2 protein (p.Met493Val). This variant is present in population databases (rs769095908, gnomAD 0.06%). This variant has not been reported in the literature in individuals affected with ERCC2-related conditions. Algorithms developed to predict the effect of missense changes on protein structure and function (SIFT, PolyPhen-2, Align-GVGD) all suggest that this variant is likely to be tolerated. In summary, the available evidence is currently insufficient to determine the role of this variant in disease. Therefore, it has been classified as a Variant of Uncertain Significance.

NM_000400.4(ERCC2):c.1477A>G (p.Met493Val)

Gene: ERCC2 (ERCC excision repair 2, TFIIH core complex helicase subunit; minus strand). Cytogenetic location: 19q13.32.
Variant type: single nucleotide variant.
Coding change: c.1477A>G on transcript NM_000400.4 (MANE Select); coding-DNA position 1477, A replaced by G.
Protein change: p.Met493Val; replaces methionine 493 with valine.
Molecular consequence: missense variant.
Genome position (GRCh38, 1-based): chr19:45,357,272, T>C on the plus strand (A>G on the coding strand, the complement: ERCC2 is on the minus strand). VCF-style: chr19-45357272-T-C. GRCh37 (hg19) VCF-style: chr19-45860530-T-C.
Other names: short protein forms M493V.
Identifiers: ClinVar variation 1415405 (VCV001415405.3), dbSNP rs769095908, ClinGen allele CA9513282.